The following is an entry in ClinVar:

ClinVar aggregate classification (germline): Likely benign. Review status: criteria provided, multiple submitters, no conflicts (2 of 4 stars). 6 submissions from 6 submitters: Likely benign (6). Last evaluated 2026-04-01.

Conditions:
ARID1A-related disorder. Also called: ARID1A-related condition.

Allele frequency attached by ClinVar (database versions not stated): gnomAD 0.00008; TOPMed 0.00009; ESP Exome Variant Server 0.00015.

Submissions (6):

CeGaT Center for Human Genetics Tuebingen
Classification: Likely benign. Last evaluated: 2026-04-01. Review status: criteria provided, single submitter. Criteria: CeGaT Center For Human Genetics Tuebingen Variant Classification Criteria Version 2. Collection method: clinical testing. Allele origin: germline. Affected: yes. Observed: 1 variant allele.
Comment: ARID1A: BP4, BP7

Labcorp Genetics (formerly Invitae), Labcorp
Classification: Likely benign. Last evaluated: 2025-12-19. Review status: criteria provided, single submitter. Criteria: Invitae Variant Classification Sherloc (09022015). Collection method: clinical testing. Allele origin: germline.

PreventionGenetics, part of Exact Sciences
Classification: Likely benign for ARID1A-related condition. Last evaluated: 2024-12-11. Review status: criteria provided, single submitter. Criteria: ACMG Guidelines, 2015. Collection method: clinical testing. Allele origin: germline.
Comment: This variant is classified as likely benign based on ACMG/AMP sequence variant interpretation guidelines (Richards et al. 2015 PMID: 25741868, with internal and published modifications).

Blueprint Genetics
Classification: Likely benign. Last evaluated: 2024-11-08. Review status: criteria provided, single submitter. Criteria: ACMG Guidelines, 2015. Collection method: clinical testing. Allele origin: germline.

Genetic Services Laboratory, University of Chicago
Classification: Likely benign. Last evaluated: 2021-10-08. Review status: criteria provided, single submitter. Criteria: ACMG Guidelines, 2015. Collection method: clinical testing. Allele origin: germline. Affected: no.

GeneDx
Classification: Likely benign. Last evaluated: 2021-06-09. Review status: criteria provided, single submitter. Criteria: GeneDx Variant Classification Process June 2021. Collection method: clinical testing. Allele origin: germline. Affected: yes.

NM_006015.6(ARID1A):c.3978G>A (p.Pro1326=)

Gene: ARID1A (AT-rich interaction domain 1A; plus strand). Cytogenetic location: 1p36.11.
Variant type: single nucleotide variant.
Coding change: c.3978G>A on transcript NM_006015.6 (MANE Select); coding-DNA position 3978, G replaced by A.
Protein change: p.Pro1326=; no amino-acid change (proline 1326 retained).
Molecular consequence: synonymous variant.
Genome position (GRCh38, 1-based): chr1:26,773,691, G>A. VCF-style: chr1-26773691-G-A. GRCh37 (hg19) VCF-style: chr1-27100182-G-A.
Other names: c.3978G>A, p.Pro1326= (NM_139135.4).
Identifiers: ClinVar variation 1208733 (VCV001208733.16), dbSNP rs370696498, ClinGen allele CA707368.
Genomic context (GRCh38, chr1:26,773,691, plus strand): 5'-GCCGAATCTCATGCCTTCCAACCCAGACTCGGGGATGTATTCTCCTAGCCGCTACCCCCC[G>A]CAGCAGCAGCAGCAGCAGCAGCAACGGTGAGTAAAGCCTGGTCTCGGTGCTGCTATGGAT-3'
Protein context (NP_006006.3, residues 1316-1336): SGMYSPSRYP[Pro1326=]QQQQQQQQRH